The following is an entry in ClinVar:

ClinVar aggregate classification (germline): Likely benign (0 of 4 stars; one submission).

Conditions:
DIAPH1-related disorder. Also called: DIAPH1-related condition.

Allele frequency attached by ClinVar (database versions not stated): gnomAD exomes below 0.00001.
gnomAD v4.1: 1 of 1,551,180 alleles (0.000064%); highest among the groups gnomAD compares: Admixed American, 0.002%; no homozygotes.

Submission:

PreventionGenetics, part of Exact Sciences
Classification: Likely benign for DIAPH1-related condition. Last evaluated: 2022-04-01. Review status: no assertion criteria provided. Collection method: clinical testing. Allele origin: germline.
Comment: This variant is classified as likely benign based on ACMG/AMP sequence variant interpretation guidelines (Richards et al. 2015 PMID: 25741868, with internal and published modifications).

NM_005219.5(DIAPH1):c.1917C>T (p.Ile639=)

Gene: DIAPH1 (diaphanous related formin 1; minus strand). Cytogenetic location: 5q31.3.
Variant type: single nucleotide variant.
Coding change: c.1917C>T on transcript NM_005219.5 (MANE Select); coding-DNA position 1917, C replaced by T.
Protein change: p.Ile639=; no amino-acid change (isoleucine 639 retained).
Molecular consequence: synonymous variant.
Genome position (GRCh38, 1-based): chr5:141,573,933, G>A on the plus strand (C>T on the coding strand, the complement: DIAPH1 is on the minus strand). VCF-style: chr5-141573933-G-A. GRCh37 (hg19) VCF-style: chr5-140953500-G-A.
Other names: c.1890C>T, p.Ile630= (NM_001079812.3); c.1917C>T, p.Ile639= (NM_001314007.2).
Identifiers: ClinVar variation 3044245 (VCV003044245.2), dbSNP rs1221908801, ClinGen allele CA447088449.